The following is an entry in ClinVar:

NM_001127222.2(CACNA1A):c.4756-4C>T

Gene: CACNA1A (calcium voltage-gated channel subunit alpha1 A; minus strand). Cytogenetic location: 19p13.13.
Variant type: single nucleotide variant.
Coding change: c.4756-4C>T on transcript NM_001127222.2 (MANE Select); 4 bases into the intron before coding-DNA position 4756, C replaced by T.
Molecular consequence: intron variant.
Genome position (GRCh38, 1-based): chr19:13,253,105, G>A on the plus strand (C>T on the coding strand, the complement: CACNA1A is on the minus strand). VCF-style: chr19-13253105-G-A. GRCh37 (hg19) VCF-style: chr19-13363919-G-A.
Other names: c.4759-4C>T (NM_001127221.2, NM_001174080.2); c.4768-4C>T (NM_000068.4, NM_023035.3).
Identifiers: ClinVar variation 1078594 (VCV001078594.10), dbSNP rs199841998, ClinGen allele CA9239936.

ClinVar aggregate classification (germline): Conflicting classifications of pathogenicity. Review status: criteria provided, conflicting classifications (1 of 4 stars). 2 submissions from 2 submitters: Uncertain significance (1); Likely benign (1). Last evaluated 2025-11-03.

Conditions:
Developmental and epileptic encephalopathy, 42 (DEE42A). Also called: Epileptic encephalopathy, early infantile, 42; DEVELOPMENTAL AND EPILEPTIC ENCEPHALOPATHY 42A; EPILEPTIC ENCEPHALOPATHY, EARLY INFANTILE, 42A. Identifiers: MedGen C4310716, MONDO:0014917, OMIM 617106.
Episodic ataxia type 2 (EA2). Also called: ATAXIA, EPISODIC, WITH NYSTAGMUS; ATAXIA, FAMILIAL PAROXYSMAL; CEREBELLAR ATAXIA, PAROXYSMAL, ACETAZOLAMIDE-RESPONSIVE; CEREBELLOPATHY, HEREDITARY PAROXYSMAL; EPISODIC ATAXIA, NYSTAGMUS-ASSOCIATED; ACETAZOLAMIDE-RESPONSIVE HEREDITARY PAROXYSMAL CEREBELLAR ATAXIA. Identifiers: Orphanet 97, MedGen C1720416, MONDO:0007163, OMIM 108500.

Allele frequency attached by ClinVar (database versions not stated): TOPMed 0.00011; gnomAD 0.00009; gnomAD exomes 0.00002 and 0.00001; ExAC 0.00003; 1000 Genomes Project 0.00020.
gnomAD v4.1: 35 of 1,599,968 alleles (0.0022%); highest among the groups gnomAD compares: African/African-American, 0.035%; no homozygotes.

Submissions (2):

Labcorp Genetics (formerly Invitae), Labcorp
Classification: Likely benign for Developmental and epileptic encephalopathy, 42; Episodic ataxia type 2. Last evaluated: 2025-11-03. Review status: criteria provided, single submitter. Criteria: Invitae Variant Classification Sherloc (09022015). Collection method: clinical testing. Allele origin: germline.

Women's Health and Genetics/Laboratory Corporation of America, LabCorp
Classification: Uncertain significance. Last evaluated: 2025-02-25. Review status: criteria provided, single submitter. Criteria: LabCorp Variant Classification Summary - May 2015. Collection method: clinical testing. Allele origin: germline.
Comment: Variant summary: CACNA1A c.4759-4C>T alters a nucleotide located close to a canonical splice site and therefore could affect mRNA splicing, leading to a significantly altered protein sequence. Consensus agreement among computation tools predict no significant impact on normal splicing. However, these predictions have yet to be confirmed by functional studies. The variant allele was found at a frequency of 2.2e-05 in 1599968 control chromosomes (gnomAD v4). This frequency is not significantly higher than estimated for a pathogenic variant in CACNA1A causing Epileptic Encephalopathy, Early Infantile, 42, allowing no conclusion about variant significance. To our knowledge, no occurrence of c.4759-4C>T in individuals affected with Epileptic Encephalopathy, Early Infantile, 42 and no experimental evidence demonstrating its impact on protein function have been reported. ClinVar contains an entry for this variant (Variation ID: 1078594). Based on the evidence outlined above, the variant was classified as uncertain significance.